The following is an entry in ClinVar:

ClinVar aggregate classification (germline): Uncertain significance (0 of 4 stars; one submission).

Conditions:
KIDINS220-related disorder. Also called: KIDINS220-related condition.

gnomAD v4.1: 1 of 1,609,044 alleles (0.000062%); highest among the groups gnomAD compares: South Asian, 0.0011%; no homozygotes.

Submission:

PreventionGenetics, part of Exact Sciences
Classification: Uncertain significance for KIDINS220-related condition. Last evaluated: 2024-08-27. Review status: no assertion criteria provided. Collection method: clinical testing. Allele origin: germline.
Comment: The KIDINS220 c.581C>T variant is predicted to result in the amino acid substitution p.Ala194Val. To our knowledge, this variant has not been reported in the literature or in a large population database, indicating this variant is rare. At this time, the clinical significance of this variant is uncertain due to the absence of conclusive functional and genetic evidence.

NM_020738.4(KIDINS220):c.581C>T (p.Ala194Val)

Gene: KIDINS220 (kinase D interacting substrate 220; minus strand). Cytogenetic location: 2p25.1.
Variant type: single nucleotide variant.
Coding change: c.581C>T on transcript NM_020738.4 (MANE Select); coding-DNA position 581, C replaced by T.
Protein change: p.Ala194Val; replaces alanine 194 with valine.
Molecular consequence: missense variant. On other transcripts: non-coding transcript variant (2).
Genome position (GRCh38, 1-based): chr2:8,806,293, G>A on the plus strand (C>T on the coding strand, the complement: KIDINS220 is on the minus strand). VCF-style: chr2-8806293-G-A. GRCh37 (hg19) VCF-style: chr2-8946423-G-A.
Other names: c.584C>T, p.Ala195Val (NM_001348729.2, NM_001348731.2, NM_001348734.2 and 3 more transcripts); c.581C>T, p.Ala194Val (NM_001348732.2, NM_001348735.2, NM_001348738.2 and 3 more transcripts); c.455C>T, p.Ala152Val (NM_001348736.2); short protein forms A152V, A194V, A195V.
Identifiers: ClinVar variation 3353012 (VCV003353012.1).